The following is an entry in ClinVar:

ClinVar aggregate classification (germline): Uncertain significance. Review status: criteria provided, multiple submitters, no conflicts (2 of 4 stars). 3 submissions from 3 submitters: Uncertain significance (3). Last evaluated 2025-05-22.

Conditions:
Multiple endocrine neoplasia, type 1 (MEN1). Also called: Endocrine adenomatosis multiple; MEN 1; MEN I; WERMER SYNDROME; MEA I. Identifiers: Orphanet 652, MedGen C0025267, MeSH D018761, MONDO:0007540, OMIM 131100.
Hereditary cancer-predisposing syndrome. Also called: Neoplastic Syndromes, Hereditary; Hereditary neoplastic syndrome; Hereditary Cancer Syndrome; Tumor predisposition. Identifiers: Orphanet 140162, MedGen C0027672, MeSH D009386, MONDO:0015356.

Allele frequency attached by ClinVar (database versions not stated): TOPMed 0.00001; gnomAD 0.00003.

Submissions (3):

Ambry Genetics
Classification: Uncertain significance for Hereditary cancer-predisposing syndrome. Last evaluated: 2025-05-22. Review status: criteria provided, single submitter. Criteria: Ambry Variant Classification Scheme 2023. Collection method: clinical testing. Allele origin: germline.
Comment: The p.P518S variant (also known as c.1552C>T), located in coding exon 9 of the MEN1 gene, results from a C to T substitution at nucleotide position 1552. The proline at codon 518 is replaced by serine, an amino acid with similar properties. This amino acid position is conserved. In addition, this alteration is predicted to be tolerated by in silico analysis. Since supporting evidence is limited at this time, the clinical significance of this alteration remains unclear.

GeneDx
Classification: Uncertain significance. Last evaluated: 2024-12-23. Review status: criteria provided, single submitter. Criteria: GeneDx Variant Classification Process June 2021. Collection method: clinical testing. Allele origin: germline. Affected: yes.
Comment: Not observed at significant frequency in large population cohorts (gnomAD); In silico analysis indicates that this missense variant does not alter protein structure/function; Has not been previously published as pathogenic or benign to our knowledge

Labcorp Genetics (formerly Invitae), Labcorp
Classification: Uncertain significance for Multiple endocrine neoplasia, type 1. Last evaluated: 2023-09-15. Review status: criteria provided, single submitter. Criteria: Invitae Variant Classification Sherloc (09022015). Collection method: clinical testing. Allele origin: germline.
Comment: In summary, the available evidence is currently insufficient to determine the role of this variant in disease. Therefore, it has been classified as a Variant of Uncertain Significance. Advanced modeling of protein sequence and biophysical properties (such as structural, functional, and spatial information, amino acid conservation, physicochemical variation, residue mobility, and thermodynamic stability) performed at Invitae indicates that this missense variant is not expected to disrupt MEN1 protein function. ClinVar contains an entry for this variant (Variation ID: 656218). This variant has not been reported in the literature in individuals affected with MEN1-related conditions. This variant is not present in population databases (gnomAD no frequency). This sequence change replaces proline, which is neutral and non-polar, with serine, which is neutral and polar, at codon 518 of the MEN1 protein (p.Pro518Ser).

NM_001370259.2(MEN1):c.1552C>T (p.Pro518Ser)

Gene: MEN1 (menin 1; minus strand). Cytogenetic location: 11q13.1.
Variant type: single nucleotide variant.
Coding change: c.1552C>T on transcript NM_001370259.2 (MANE Select); coding-DNA position 1552, C replaced by T.
Protein change: p.Pro518Ser; replaces proline 518 with serine.
Molecular consequence: missense variant.
Genome position (GRCh38, 1-based): chr11:64,804,615, G>A on the plus strand (C>T on the coding strand, the complement: MEN1 is on the minus strand). VCF-style: chr11-64804615-G-A. GRCh37 (hg19) VCF-style: chr11-64572087-G-A.
Other names: c.1567C>T, p.Pro523Ser (NM_000244.4, NM_130800.3, NM_130801.3 and 3 more transcripts); c.1678C>T, p.Pro560Ser (NM_001370251.2); c.1552C>T, p.Pro518Ser (NM_001370260.2, NM_001370261.2, NM_130799.3); c.1447C>T, p.Pro483Ser (NM_001370262.2, NM_001370263.2); short protein forms P518S, P523S, P483S, P560S.
Identifiers: ClinVar variation 656218 (VCV000656218.15), dbSNP rs1204943413, ClinGen allele CA381178522.